The following is an entry in ClinVar:

ClinVar aggregate classification (germline): Likely pathogenic (1 of 4 stars; one submission).

Submission:

Quest Diagnostics Nichols Institute San Juan Capistrano
Classification: Likely pathogenic. Last evaluated: 2021-12-16. Review status: criteria provided, single submitter. Criteria: ACMG/ClinGen CNV Guidelines, 2019. Collection method: clinical testing. Allele origin: unknown.
Comment: The copy number loss of 1p36.23p36.22 involves multiple coding genes, including H6PD (OMIM 138090) and multiple exons (NM_012102.4; exons 1-13 of 24) of the 5' portion of RERE (OMIM 605226). It is likely that expression of RERE has been disrupted by this partial loss. Hemizygous deletions of RERE, as well as loss-of-function sequence variants, are associated with are associated with autosomal dominant neurodevelopmental disorder with or without anomalies of the brain, eye, or heart (NEDBEH; OMIM 616975). NEDBEH is characterized by onset in infancy of developmental delay, intellectual disability, and behavioral disorders, such as autism spectrum disorders. About half of patients have additional abnormalities, most commonly involving the eye, heart, and genitourinary system. The phenotype is reminiscent of that observed in patients with 1p36 deletion syndrome (OMIM 607872); RERE is located in the proximal 1p36 critical region. There are numerous reports of hemizygous deletions (Jordan 2015, Costain 2016) as well as heterozygous pathogenic variants (Jordan 2015, Feliciano 2019, Guo 2019, Fregeau 2016, Stranneheim 2021) in RERE in individuals diagnosed with neurodevelopmental disorders. As haploinsufficiency of this locus has been consistently reported with a clinical phenotype, and there are no similar copy number losses of this region in the general populations of the Database of Genomic Variants, the clinical significance of this copy number variant (CNV) is likely pathogenic. References: Costain et al., Int J Cardiol. 2016 Feb 1;204:115-21. PMID: 26655555 Feliciano et al., NPJ Genom Med. 2019 Aug 23;4:19. PMID: 31452935 Fregeau et al., Am J Hum Genet. 2016 May 5;98(5):963-970. PMID: 27087320 Guo et al., Genet Med. 2019 Jul;21(7):1611-1620. PMID: 30504930 Jordan et al., Hum Mutat. 2018 May;39(5):666-675. PMID: 29330883 Stranneheim et al., Genome Med. 2021 Mar 17;13(1):40. PMID: 33726816

GRCh37/hg19 1p36.23-36.22(chr1:8473813-9852687)x1

Genes: CA6 (carbonic anhydrase 6; plus strand), CLSTN1 (calsyntenin 1; minus strand), ENO1 (enolase 1; minus strand), ENO1-AS1 (ENO1 antisense RNA 1; plus strand), GPR157 (G protein-coupled receptor 157; minus strand) and 9 more. Cytogenetic location: 1p36.23-36.22.
Variant type: copy number loss.
Change: copy number 1 (one copy instead of two) of chr1:8,473,813-9,852,687 (1.38 Mb, GRCh37 coordinates, 1-based), cytogenetic band 1p36.23-36.22.
Identifiers: ClinVar variation 1807831 (VCV001807831.1).